The following is an entry in ClinVar:

NM_001267550.2(TTN):c.102512A>T (p.Tyr34171Phe)

Genes: TTN-AS1 (TTN antisense RNA 1; plus strand), TTN (titin; minus strand). Cytogenetic location: 2q31.2.
Variant type: single nucleotide variant.
Coding change: c.102512A>T on transcript NM_001267550.2 (MANE Select); coding-DNA position 102512, A replaced by T.
Protein change: p.Tyr34171Phe; replaces tyrosine 34171 with phenylalanine.
Molecular consequence: missense variant.
Genome position (GRCh38, 1-based): chr2:178,534,103, T>A on the plus strand (A>T on the coding strand, the complement: TTN is on the minus strand). VCF-style: chr2-178534103-T-A. GRCh37 (hg19) VCF-style: chr2-179398830-T-A.
Other names: c.97589A>T, p.Tyr32530Phe (NM_001256850.1); c.75317A>T, p.Tyr25106Phe (NM_003319.4); c.94808A>T, p.Tyr31603Phe (NM_133378.4); c.75692A>T, p.Tyr25231Phe (NM_133432.3); c.75893A>T, p.Tyr25298Phe (NM_133437.4); short protein forms Y25298F, Y31603F, Y34171F, Y25231F, Y32530F, Y25106F.
Identifiers: ClinVar variation 2149136 (VCV002149136.4), dbSNP rs1690385239, ClinGen allele CA349417367.

ClinVar aggregate classification (germline): Uncertain significance (1 of 4 stars; one submission).

Conditions:
Autosomal recessive limb-girdle muscular dystrophy type 2J (LGMDR10). Also called: Limb-girdle muscular dystrophy, type 2J; MUSCULAR DYSTROPHY, LIMB-GIRDLE, AUTOSOMAL RECESSIVE 10. Identifiers: Orphanet 140922, MedGen C1837342, MONDO:0012127, OMIM 608807.
Dilated cardiomyopathy 1G (CMD1G). Identifiers: Orphanet 154, MedGen C1858763, MONDO:0011400, OMIM 604145.

Submission:

Labcorp Genetics (formerly Invitae), Labcorp
Classification: Uncertain significance for Dilated cardiomyopathy 1G; Autosomal recessive limb-girdle muscular dystrophy type 2J. Last evaluated: 2024-08-29. Review status: criteria provided, single submitter. Criteria: Invitae Variant Classification Sherloc (09022015). Collection method: clinical testing. Allele origin: germline.
Comment: This sequence change replaces tyrosine, which is neutral and polar, with phenylalanine, which is neutral and non-polar, at codon 34171 of the TTN protein (p.Tyr34171Phe). This variant is not present in population databases (gnomAD no frequency). This variant has not been reported in the literature in individuals affected with TTN-related conditions. ClinVar contains an entry for this variant (Variation ID: 2149136). Experimental studies and prediction algorithms are not available or were not evaluated, and the functional significance of this variant is currently unknown. This variant is located in the M band of TTN (PMID: 25589632). Non-truncating variants in this region may be relevant for neuromuscular disorders, but have not been definitively shown to cause cardiomyopathy (PMID: 23975875). In summary, the available evidence is currently insufficient to determine the role of this variant in disease. Therefore, it has been classified as a Variant of Uncertain Significance.

Literature cited by the submitters: PubMed 25589632; PubMed 23975875.